The following is an entry in ClinVar:

ClinVar aggregate classification (germline): Uncertain significance (1 of 4 stars; one submission).

Conditions:
Multiple endocrine neoplasia, type 1 (MEN1). Also called: MEA I; MEN I; WERMER SYNDROME; Endocrine adenomatosis multiple; MEN 1. Identifiers: Orphanet 652, MedGen C0025267, MeSH D018761, MONDO:0007540, OMIM 131100.

Submission:

Labcorp Genetics (formerly Invitae), Labcorp
Classification: Uncertain significance for Multiple endocrine neoplasia, type 1. Last evaluated: 2022-12-20. Review status: criteria provided, single submitter. Criteria: Invitae Variant Classification Sherloc (09022015). Collection method: clinical testing. Allele origin: germline.
Comment: ClinVar contains an entry for this variant (Variation ID: 1372733). In summary, the available evidence is currently insufficient to determine the role of this variant in disease. Therefore, it has been classified as a Variant of Uncertain Significance. Algorithms developed to predict the effect of missense changes on protein structure and function (SIFT, PolyPhen-2, Align-GVGD) all suggest that this variant is likely to be tolerated. This variant has not been reported in the literature in individuals affected with MEN1-related conditions. This variant is not present in population databases (gnomAD no frequency). This sequence change replaces glutamic acid, which is acidic and polar, with alanine, which is neutral and non-polar, at codon 547 of the MEN1 protein (p.Glu547Ala).

NM_001370259.2(MEN1):c.1640A>C (p.Glu547Ala)

Gene: MEN1 (menin 1; minus strand). Cytogenetic location: 11q13.1.
Variant type: single nucleotide variant.
Coding change: c.1640A>C on transcript NM_001370259.2 (MANE Select); coding-DNA position 1640, A replaced by C.
Protein change: p.Glu547Ala; replaces glutamic acid 547 with alanine.
Molecular consequence: missense variant.
Genome position (GRCh38, 1-based): chr11:64,804,527, T>G on the plus strand (A>C on the coding strand, the complement: MEN1 is on the minus strand). VCF-style: chr11-64804527-T-G. GRCh37 (hg19) VCF-style: chr11-64571999-T-G.
Other names: c.1655A>C, p.Glu552Ala (NM_000244.4, NM_130800.3, NM_130801.3 and 3 more transcripts); c.1766A>C, p.Glu589Ala (NM_001370251.2); c.1640A>C, p.Glu547Ala (NM_001370260.2, NM_001370261.2, NM_130799.3); c.1535A>C, p.Glu512Ala (NM_001370262.2, NM_001370263.2); short protein forms E512A, E547A, E589A, E552A.
Identifiers: ClinVar variation 1372733 (VCV001372733.8), dbSNP rs914488914, ClinGen allele CA381177936.
Genomic context (GRCh38, chr11:64,804,527, plus strand): 5'-GCCACCAGCAGCTCCTTCATGCCCTTCATCTTCTCACTCTGGAAAGTGAGCACTGGACCC[T>G]CCGGCGGTGGTGATGCTGTGGGTGCTGGCACCTGAGCCGTGCTGCCACCTTCAGGGCCTC-3'
Protein context (NP_001357188.2, residues 537-557): VPAPTASPPP[Glu547Ala]GPVLTFQSEK